The following is an entry in ClinVar:

ClinVar aggregate classification (germline): Uncertain significance (1 of 4 stars; one submission).

Conditions:
Developmental and epileptic encephalopathy, 27 (DEE27). Also called: Epileptic encephalopathy, early infantile, 27; GRIN2B-Related Neurodevelopmental Disorder. Identifiers: Orphanet 3451, MedGen C4015316, MONDO:0014505, OMIM 616139.
Intellectual developmental disorder, autosomal dominant 6, with or without seizures. Also called: Intellectual disability, autosomal dominant 6; GRIN2B-related developmental delay, intellectual disability and autism spectrum disorder. Identifiers: Orphanet 589547, MedGen C3151411, MONDO:0013509, OMIM 613970.

gnomAD v4.1: 5 of 1,614,068 alleles (0.00031%); highest among the groups gnomAD compares: Non-Finnish European, 0.00042%; no homozygotes.

Submission:

Labcorp Genetics (formerly Invitae), Labcorp
Classification: Uncertain significance for Developmental and epileptic encephalopathy, 27; Intellectual developmental disorder, autosomal dominant 6, with or without seizures. Last evaluated: 2025-10-07. Review status: criteria provided, single submitter. Criteria: Invitae Variant Classification Sherloc (09022015). Collection method: clinical testing. Allele origin: germline.
Comment: This sequence change replaces phenylalanine, which is neutral and non-polar, with cysteine, which is neutral and slightly polar, at codon 1123 of the GRIN2B protein (p.Phe1123Cys). This variant is not present in population databases (gnomAD no frequency). This variant has not been reported in the literature in individuals affected with GRIN2B-related conditions. Invitae Evidence Modeling of protein sequence and biophysical properties (such as structural, functional, and spatial information, amino acid conservation, physicochemical variation, residue mobility, and thermodynamic stability) indicates that this missense variant is not expected to disrupt GRIN2B protein function with a negative predictive value of 95%. In summary, the available evidence is currently insufficient to determine the role of this variant in disease. Therefore, it has been classified as a Variant of Uncertain Significance.

NM_000834.5(GRIN2B):c.3368T>G (p.Phe1123Cys)

Gene: GRIN2B (glutamate ionotropic receptor NMDA type subunit 2B; minus strand). Cytogenetic location: 12p13.1.
Variant type: single nucleotide variant.
Coding change: c.3368T>G on transcript NM_000834.5 (MANE Select); coding-DNA position 3368, T replaced by G.
Protein change: p.Phe1123Cys; replaces phenylalanine 1123 with cysteine.
Molecular consequence: missense variant.
Genome position (GRCh38, 1-based): chr12:13,563,870, A>C on the plus strand (T>G on the coding strand, the complement: GRIN2B is on the minus strand). VCF-style: chr12-13563870-A-C. GRCh37 (hg19) VCF-style: chr12-13716804-A-C.
Other names: c.3368T>G, p.Phe1123Cys (NM_001413992.1); short protein forms F1123C.
Identifiers: ClinVar variation 4794929 (VCV004794929.1).
Genomic context (GRCh38, chr12:13,563,870, plus strand): 5'-GAGTTCTCCTTTGTTCGGAACTGGTCCAGGTAGAAGTCCCGTAGCCCTTCCTTGTCCCTG[A>C]AGTAGCGCTTGTGGTCAGGGGAGCGGGGCGGTCGGCGACGGTAGGCCAGCTCGATCTCGT-3'
Protein context (NP_000825.2, residues 1113-1133): PPRSPDHKRY[Phe1123Cys]RDKEGLRDFY